The following is an entry in ClinVar:

ClinVar aggregate classification (germline): Uncertain significance (1 of 4 stars; one submission).

Conditions:
Focal segmental glomerulosclerosis 5 (FSGS5). Identifiers: Orphanet 656, MedGen C2750475, MONDO:0013191, OMIM 613237.
Charcot-Marie-Tooth disease dominant intermediate E. Also called: CHARCOT-MARIE-TOOTH NEUROPATHY WITH FOCAL SEGMENTAL GLOMERULONEPHRITIS. Identifiers: Orphanet 93114, MedGen C4302667, MONDO:0013758, OMIM 614455.

Submission:

Labcorp Genetics (formerly Invitae), Labcorp
Classification: Uncertain significance for Charcot-Marie-Tooth disease dominant intermediate E; Focal segmental glomerulosclerosis 5. Last evaluated: 2023-11-18. Review status: criteria provided, single submitter. Criteria: Invitae Variant Classification Sherloc (09022015). Collection method: clinical testing. Allele origin: germline.
Comment: This sequence change replaces serine, which is neutral and polar, with glycine, which is neutral and non-polar, at codon 1147 of the INF2 protein (p.Ser1147Gly). This variant is not present in population databases (gnomAD no frequency). This variant has not been reported in the literature in individuals affected with INF2-related conditions. ClinVar contains an entry for this variant (Variation ID: 972583). Advanced modeling of protein sequence and biophysical properties (such as structural, functional, and spatial information, amino acid conservation, physicochemical variation, residue mobility, and thermodynamic stability) performed at Invitae indicates that this missense variant is not expected to disrupt INF2 protein function with a negative predictive value of 95%. In summary, the available evidence is currently insufficient to determine the role of this variant in disease. Therefore, it has been classified as a Variant of Uncertain Significance.

NM_022489.4(INF2):c.3439A>G (p.Ser1147Gly)

Gene: INF2 (inverted formin 2; plus strand). Cytogenetic location: 14q32.33.
Variant type: single nucleotide variant.
Coding change: c.3439A>G on transcript NM_022489.4 (MANE Select); coding-DNA position 3439, A replaced by G.
Protein change: p.Ser1147Gly; replaces serine 1147 with glycine.
Molecular consequence: missense variant.
Genome position (GRCh38, 1-based): chr14:104,714,601, A>G. VCF-style: chr14-104714601-A-G. GRCh37 (hg19) VCF-style: chr14-105180938-A-G.
Other names: c.3439A>G, p.Ser1147Gly (NM_001031714.4); short protein forms S1147G.
Identifiers: ClinVar variation 972583 (VCV000972583.9), dbSNP rs1890205376, ClinGen allele CA391224525.